The following is an entry in ClinVar:

NM_017882.3(CLN6):c.929G>A (p.Arg310Gln)

Gene: CLN6 (CLN6 transmembrane ER protein; minus strand). Cytogenetic location: 15q23.
Variant type: single nucleotide variant.
Coding change: c.929G>A on transcript NM_017882.3 (MANE Select); coding-DNA position 929, G replaced by A.
Protein change: p.Arg310Gln; replaces arginine 310 with glutamine.
Molecular consequence: missense variant.
Genome position (GRCh38, 1-based): chr15:68,208,147, C>T on the plus strand (G>A on the coding strand, the complement: CLN6 is on the minus strand). VCF-style: chr15-68208147-C-T. GRCh37 (hg19) VCF-style: chr15-68500485-C-T.
Other names: short protein forms R310Q.
Identifiers: ClinVar variation 582187 (VCV000582187.9), dbSNP rs769900670, ClinGen allele CA7630438.

ClinVar aggregate classification (germline): Conflicting classifications of pathogenicity. Review status: criteria provided, conflicting classifications (1 of 4 stars). 3 submissions from 3 submitters: Uncertain significance (2); Likely benign (1). Last evaluated 2024-10-25.

Conditions:
Neuronal ceroid lipofuscinosis. Also called: Neuronal Ceroid Lipofuscinoses. Identifiers: Orphanet 216, Orphanet 79263, MedGen C0027877, MONDO:0016295. Disease mechanism: loss of function.

Allele frequency attached by ClinVar (database versions not stated): gnomAD 0.00002 and 0.00003; gnomAD exomes 0.00002; TOPMed 0.00002; ExAC 0.00003.
gnomAD v4.1: 24 of 1,605,798 alleles (0.0015%); highest among the groups gnomAD compares: Middle Eastern, 0.017%; no homozygotes.

Submissions (3):

Labcorp Genetics (formerly Invitae), Labcorp
Classification: Uncertain significance for Neuronal ceroid lipofuscinosis. Last evaluated: 2024-10-25. Review status: criteria provided, single submitter. Criteria: Invitae Variant Classification Sherloc (09022015). Collection method: clinical testing. Allele origin: germline.
Comment: This sequence change replaces arginine, which is basic and polar, with glutamine, which is neutral and polar, at codon 310 of the CLN6 protein (p.Arg310Gln). This variant is present in population databases (rs769900670, gnomAD 0.006%). This variant has not been reported in the literature in individuals affected with CLN6-related conditions. ClinVar contains an entry for this variant (Variation ID: 582187). An algorithm developed to predict the effect of missense changes on protein structure and function outputs the following: PolyPhen-2: "Benign". The glutamine amino acid residue is found in multiple mammalian species, which suggests that this missense change does not adversely affect protein function. In summary, the available evidence is currently insufficient to determine the role of this variant in disease. Therefore, it has been classified as a Variant of Uncertain Significance.

ARUP Laboratories, Molecular Genetics and Genomics, ARUP Laboratories
Classification: Uncertain significance. Last evaluated: 2023-10-17. Review status: criteria provided, single submitter. Criteria: ARUP Molecular Germline Variant Investigation Process 2024. Collection method: clinical testing. Allele origin: germline.
Comment: Due to limited information, including a lack of clinical and/or functional data and an uninformative population frequency, the clinical significance of this variant is uncertain at this time.

Blueprint Genetics
Classification: Likely benign. Last evaluated: 2022-11-09. Review status: criteria provided, single submitter. Criteria: ACMG Guidelines, 2015. Collection method: clinical testing. Allele origin: germline.